The following is an entry in ClinVar:

ClinVar aggregate classification (germline): Uncertain significance (1 of 4 stars; one submission).

Allele frequency attached by ClinVar (database versions not stated): TOPMed below 0.00001.
gnomAD v4.1: 4 of 1,614,000 alleles (0.00025%); highest among the groups gnomAD compares: Non-Finnish European, 0.00034%; no homozygotes.

Submission:

Ambry Genetics
Classification: Uncertain significance. Last evaluated: 2023-11-09. Review status: criteria provided, single submitter. Criteria: Ambry Variant Classification Scheme 2023. Collection method: clinical testing. Allele origin: germline.
Comment: The p.K1157R variant (also known as c.3470A>G), located in coding exon 16 of the POLQ gene, results from an A to G substitution at nucleotide position 3470. The lysine at codon 1157 is replaced by arginine, an amino acid with highly similar properties. This amino acid position is conserved. In addition, this alteration is predicted to be tolerated by in silico analysis. Since supporting evidence is limited at this time, the clinical significance of this alteration remains unclear.

NM_199420.4(POLQ):c.3470A>G (p.Lys1157Arg)

Gene: POLQ (DNA polymerase theta; minus strand). Cytogenetic location: 3q13.33.
Variant type: single nucleotide variant.
Coding change: c.3470A>G on transcript NM_199420.4 (MANE Select); coding-DNA position 3470, A replaced by G.
Protein change: p.Lys1157Arg; replaces lysine 1157 with arginine.
Molecular consequence: missense variant.
Genome position (GRCh38, 1-based): chr3:121,489,461, T>C on the plus strand (A>G on the coding strand, the complement: POLQ is on the minus strand). VCF-style: chr3-121489461-T-C. GRCh37 (hg19) VCF-style: chr3-121208308-T-C.
Other names: short protein forms K1157R.
Identifiers: ClinVar variation 3229940 (VCV003229940.1), dbSNP rs769809819, ClinGen allele CA354099808.